The following is an entry in ClinVar:

NM_001378452.1(ITPR1):c.525+7G>A

Gene: ITPR1 (inositol 1,4,5-trisphosphate receptor type 1; plus strand). Cytogenetic location: 3p26.1.
Variant type: single nucleotide variant.
Coding change: c.525+7G>A on transcript NM_001378452.1 (MANE Select); 7 bases into the intron after coding-DNA position 525, G replaced by A.
Molecular consequence: intron variant.
Genome position (GRCh38, 1-based): chr3:4,642,258, G>A. VCF-style: chr3-4642258-G-A. GRCh37 (hg19) VCF-style: chr3-4683942-G-A.
Other names: p.?; c.525+7G>A (NM_001099952.4, NM_001168272.2, NM_002222.7).
Identifiers: ClinVar variation 4684673 (VCV004684673.1).

ClinVar aggregate classification (germline): Likely benign (1 of 4 stars; one submission).

gnomAD v4.1: 1 of 1,525,572 alleles (0.000066%); highest among the groups gnomAD compares: Non-Finnish European, 0.000088%; no homozygotes.

Submission:

Mayo Clinic Laboratories, Mayo Clinic
Classification: Likely benign. Last evaluated: 2025-07-10. Review status: criteria provided, single submitter. Criteria: ACMG Guidelines, 2015. Collection method: clinical testing. Allele origin: germline. Observed: 1 variant allele.
Comment: BP4, BP7